The following is an entry in ClinVar:

NM_024675.4(PALB2):c.3122A>C (p.Lys1041Thr)

Gene: PALB2 (partner and localizer of BRCA2; minus strand). Cytogenetic location: 16p12.2.
Variant type: single nucleotide variant.
Coding change: c.3122A>C on transcript NM_024675.4 (MANE Select); coding-DNA position 3122, A replaced by C.
Protein change: p.Lys1041Thr; replaces lysine 1041 with threonine.
Molecular consequence: missense variant.
Genome position (GRCh38, 1-based): chr16:23,614,083, T>G on the plus strand (A>C on the coding strand, the complement: PALB2 is on the minus strand). VCF-style: chr16-23614083-T-G. GRCh37 (hg19) VCF-style: chr16-23625404-T-G.
Other names: short protein forms K1041T.
Identifiers: ClinVar variation 422560 (VCV000422560.19), dbSNP rs781663559, ClinGen allele CA7963418.

ClinVar aggregate classification (germline): Conflicting classifications of pathogenicity. Review status: criteria provided, conflicting classifications (1 of 4 stars). 7 submissions from 7 submitters: Uncertain significance (6); Likely benign (1). Last evaluated 2026-01-18.

Conditions:
Hereditary cancer-predisposing syndrome. Also called: Hereditary neoplastic syndrome; Neoplastic Syndromes, Hereditary; Tumor predisposition; Hereditary Cancer Syndrome. Identifiers: Orphanet 140162, MedGen C0027672, MeSH D009386, MONDO:0015356.
Familial cancer of breast. Also called: Hereditary breast cancer; BREAST CANCER, FAMILIAL; hereditary breast carcinoma. Identifiers: Orphanet 227535, MedGen C0346153, MONDO:0016419, OMIM 114480. Disease mechanism: loss of function.

Allele frequency attached by ClinVar (database versions not stated): gnomAD exomes below 0.00001; ExAC 0.00001; TOPMed 0.00001.
gnomAD v4.1: 4 of 1,606,954 alleles (0.00025%); highest among the groups gnomAD compares: Non-Finnish European, 0.00034%; no homozygotes.

Submissions (7):

Labcorp Genetics (formerly Invitae), Labcorp
Classification: Uncertain significance for Familial cancer of breast. Last evaluated: 2026-01-18. Review status: criteria provided, single submitter. Criteria: Invitae Variant Classification Sherloc (09022015). Collection method: clinical testing. Allele origin: germline.
Comment: This sequence change replaces lysine, which is basic and polar, with threonine, which is neutral and polar, at codon 1041 of the PALB2 protein (p.Lys1041Thr). This variant is present in population databases (rs781663559, gnomAD 0.0009%). This missense change has been observed in individual(s) with pediatric acute myeloid leukemia and a personal and/or family history of breast cancer (PMID: 18446436, 31159747, 31470354, 36980780). ClinVar contains an entry for this variant (Variation ID: 422560). Invitae Evidence Modeling of protein sequence and biophysical properties (such as structural, functional, and spatial information, amino acid conservation, physicochemical variation, residue mobility, and thermodynamic stability) indicates that this missense variant is not expected to disrupt PALB2 protein function with a negative predictive value of 80%. Experimental studies have shown that this missense change does not substantially affect PALB2 function (PMID: 31586400). In summary, the available evidence is currently insufficient to determine the role of this variant in disease. Therefore, it has been classified as a Variant of Uncertain Significance.

Center for Genomic Medicine, Rigshospitalet, Copenhagen University Hospital
Classification: Uncertain significance. Last evaluated: 2025-12-29. Review status: criteria provided, single submitter. Criteria: ACMG Guidelines, 2015. Collection method: clinical testing. Allele origin: germline.

Ambry Genetics
Classification: Likely benign for Hereditary cancer-predisposing syndrome. Last evaluated: 2025-03-13. Review status: criteria provided, single submitter. Criteria: Ambry Variant Classification Scheme 2023. Collection method: clinical testing. Allele origin: germline.

Color Diagnostics, LLC DBA Color Health
Classification: Uncertain significance for Hereditary cancer-predisposing syndrome. Last evaluated: 2024-11-26. Review status: criteria provided, single submitter. Criteria: ACMG Guidelines, 2015. Collection method: clinical testing. Allele origin: germline.
Comment: This missense variant replaces lysine with threonine at codon 1041 of the PALB2 protein. Computational prediction suggests that this variant may not impact protein structure and function. To our knowledge, functional studies have not been reported for this variant. This variant has been reported in three individuals or families affected with breast or other cancers (PMID: 18446436, 36980780; DOI: 10.30569/adiyamansaglik.1378620) and it also has been detected in a breast cancer case-control meta-analysis in 1/60466 cases and 2/53461 unaffected individuals (PMID: 33471991; Leiden Open Variation Database DB-ID PALB2_010783). This variant has been identified in 1/250404 chromosomes in the general population by the Genome Aggregation Database (gnomAD). The available evidence is insufficient to determine the role of this variant in disease conclusively. Therefore, this variant is classified as a Variant of Uncertain Significance.

Baylor Genetics
Classification: Uncertain significance for Familial cancer of breast. Last evaluated: 2023-12-20. Review status: criteria provided, single submitter. Criteria: ACMG Guidelines, 2015. Collection method: clinical testing. Allele origin: unknown.

GeneKor MSA
Classification: Uncertain significance for Hereditary cancer-predisposing syndrome. Last evaluated: 2018-08-01. Review status: criteria provided, single submitter. Criteria: ACMG Guidelines, 2015. Collection method: clinical testing. Allele origin: germline. Affected: yes.

GeneDx
Classification: Uncertain significance. Last evaluated: 2016-10-17. Review status: criteria provided, single submitter. Criteria: GeneDx Variant Classification (06012015). Collection method: clinical testing. Allele origin: germline. Affected: yes.
Comment: This variant is denoted PALB2 c.3122A>C at the cDNA level, p.Lys1041Thr (K1041T) at the protein level, and results in the change of a Lysine to a Threonine (AAA>ACA). This variant has been observed in at least one individual with either a personal or family history of breast and/or ovarian cancer (Cao 2009). PALB2 Lys1041Thr was not observed in approximately 6,500 individuals of European and African American ancestry in the NHLBI Exome Sequencing Project, suggesting it is not a common benign variant in these populations. Since Lysine and Threonine differ in some properties, this is considered a semi-conservative amino acid substitution. PALB2 Lys1041Thr occurs at a position that is not conserved and is located within the WD4 repeat region, a region required for interaction with POLH and POLH DNA synthesis stimulation, as well as a region of interaction with RAD51 and BRCA2 (UniProt). In silico analyses predict that this variant is probably damaging to protein structure and function. Based on currently available evidence, it is unclear whether PALB2 Lys1041Thr is a pathogenic or benign variant. We consider it to be a variant of uncertain significance.

Literature cited by the submitters: PubMed 18446436 (cited by 3 submitters); PubMed 31159747 (cited by Labcorp Genetics (formerly Invitae), Labcorp); PubMed 31470354 (cited by Labcorp Genetics (formerly Invitae), Labcorp); PubMed 36980780 (cited by Labcorp Genetics (formerly Invitae), Labcorp and Color Diagnostics, LLC DBA Color Health); PubMed 31586400 (cited by Labcorp Genetics (formerly Invitae), Labcorp); PubMed 33471991 (cited by Color Diagnostics, LLC DBA Color Health).